The following is an entry in ClinVar:

ClinVar aggregate classification (germline): Likely benign. Review status: criteria provided, multiple submitters, no conflicts (2 of 4 stars). 3 submissions from 3 submitters: Likely benign (3). Last evaluated 2026-05-08.

Conditions:
AIPL1-related disorder. Also called: AIPL1-related condition; AIPL1-related disorders. Identifiers: MedGen CN239169.
Leber congenital amaurosis 4 (LCA4). Identifiers: MedGen C1858386, MONDO:0011458, OMIM 604393.

gnomAD v4.1: 80 of 1,613,908 alleles (0.005%); highest among the groups gnomAD compares: Non-Finnish European, 0.0066%; no homozygotes.

Submissions (3):

PreventionGenetics, part of Exact Sciences
Classification: Likely benign for AIPL1-related condition. Last evaluated: 2026-05-08. Review status: criteria provided, single submitter. Criteria: ACMG Guidelines, 2015. Collection method: clinical testing. Allele origin: germline.
Comment: This variant is classified as likely benign based on ACMG/AMP sequence variant interpretation guidelines (Richards et al. 2015 PMID: 25741868, with internal and published modifications).

Labcorp Genetics (formerly Invitae), Labcorp
Classification: Likely benign for Leber congenital amaurosis 4. Last evaluated: 2025-06-19. Review status: criteria provided, single submitter. Criteria: Invitae Variant Classification Sherloc (09022015). Collection method: clinical testing. Allele origin: germline.

Blueprint Genetics
Classification: Likely benign. Last evaluated: 2024-11-01. Review status: criteria provided, single submitter. Criteria: ACMG Guidelines, 2015. Collection method: clinical testing. Allele origin: germline.

NM_014336.5(AIPL1):c.327G>A (p.Gln109=)

Gene: AIPL1 (AIP like 1 HSP90 co-chaperone; minus strand). Cytogenetic location: 17p13.2.
Variant type: single nucleotide variant.
Coding change: c.327G>A on transcript NM_014336.5 (MANE Select); coding-DNA position 327, G replaced by A.
Protein change: p.Gln109=; no amino-acid change (glutamine 109 retained).
Molecular consequence: synonymous variant. On other transcripts: intron variant (1).
Genome position (GRCh38, 1-based): chr17:6,428,456, C>T on the plus strand (G>A on the coding strand, the complement: AIPL1 is on the minus strand). VCF-style: chr17-6428456-C-T. GRCh37 (hg19) VCF-style: chr17-6331776-C-T.
Other names: c.327G>A (NM_014336.4); c.147G>A, p.Gln49= (NM_001033055.3); c.291G>A, p.Gln97= (NM_001285399.3); c.261G>A, p.Gln87= (NM_001285400.3); c.327G>A, p.Gln109= (NM_001285401.3, NM_001285403.4); c.210G>A, p.Gln70= (NM_001285402.2); c.277-1399G>A (NM_001033054.3).
Identifiers: ClinVar variation 1159858 (VCV001159858.11), dbSNP rs751231254, ClinGen allele CA8328541.